The following is an entry in ClinVar:

ClinVar aggregate classification (germline): Uncertain significance (1 of 4 stars; one submission).

Conditions:
POLD1-related polyposis and colorectal cancer syndrome (CRCS10). Also called: Colorectal cancer 10; COLORECTAL CANCER, SUSCEPTIBILITY TO, ON CHROMOSOME 19q; Colorectal cancer, susceptibility to, 10. Identifiers: Orphanet 220460, MedGen C2675481, MONDO:0012953, OMIM 612591.

Submission:

Labcorp Genetics (formerly Invitae), Labcorp
Classification: Uncertain significance for POLD1-related polyposis and colorectal cancer syndrome. Last evaluated: 2023-04-12. Review status: criteria provided, single submitter. Criteria: Invitae Variant Classification Sherloc (09022015). Collection method: clinical testing. Allele origin: germline.
Comment: This sequence change creates a premature translational stop signal (p.Glu466*) in the POLD1 gene. Missense variants that disrupt the 3'-5' exonuclease (proof-reading) activity of the POLD1 protein are associated with PPAP (polymerase proofreading–associated polyposis) (PMID: 23263490, 23447401). However, loss-of-function variants that result in an absent or severely disrupted POLD1 protein, and missense variants outside the exonuclease domain, are unlikely to be associated with PPAP. This variant is not present in population databases (gnomAD no frequency). This variant has not been reported in the literature in individuals affected with POLD1-related conditions. In summary, the available evidence is currently insufficient to determine the role of this variant in disease. Therefore, it has been classified as a Variant of Uncertain Significance.

Literature cited by the submitters: PubMed 23263490; PubMed 23447401.

NM_002691.4(POLD1):c.1396G>T (p.Glu466Ter)

Gene: POLD1 (DNA polymerase delta 1, catalytic subunit; plus strand). Cytogenetic location: 19q13.33.
Variant type: single nucleotide variant.
Coding change: c.1396G>T on transcript NM_002691.4 (MANE Select); coding-DNA position 1396, G replaced by T.
Protein change: p.Glu466Ter; replaces glutamic acid 466 with a stop codon.
Molecular consequence: nonsense. On other transcripts: non-coding transcript variant (1).
Genome position (GRCh38, 1-based): chr19:50,406,419, G>T. VCF-style: chr19-50406419-G-T. GRCh37 (hg19) VCF-style: chr19-50909676-G-T.
Other names: c.1396G>T, p.Glu466Ter (NM_001256849.1, NM_001308632.1); short protein forms E466*.
Identifiers: ClinVar variation 2855421 (VCV002855421.3), dbSNP rs760166741, ClinGen allele CA406980030.